The following is an entry in ClinVar:

NM_001844.5(COL2A1):c.2194-111G>A

Gene: COL2A1 (collagen type II alpha 1 chain; minus strand). Cytogenetic location: 12q13.11.
Variant type: single nucleotide variant.
Coding change: c.2194-111G>A on transcript NM_001844.5 (MANE Select); 111 bases into the intron before coding-DNA position 2194, G replaced by A.
Molecular consequence: intron variant.
Genome position (GRCh38, 1-based): chr12:47,982,720, C>T on the plus strand (G>A on the coding strand, the complement: COL2A1 is on the minus strand). VCF-style: chr12-47982720-C-T. GRCh37 (hg19) VCF-style: chr12-48376503-C-T.
Other names: c.1987-111G>A (NM_033150.3).
Identifiers: ClinVar variation 674840 (VCV000674840.2), dbSNP rs3829736, ClinGen allele CA13646571.

ClinVar aggregate classification (germline): Benign. Review status: criteria provided, multiple submitters, no conflicts (2 of 4 stars). 2 submissions from 2 submitters: Benign (2). Last evaluated 2018-06-18.

Allele frequency attached by ClinVar (database versions not stated): TOPMed 0.42692; gnomAD 0.42997 and 0.43508; 1000 Genomes Project 30x 0.45362; 1000 Genomes Project 0.45567.
gnomAD v4.1: 558,344 of 1,226,996 alleles (46%); highest among the groups gnomAD compares: East Asian, 57%; 129,640 homozygotes.

Submissions (2):

GeneDx
Classification: Benign. Last evaluated: 2018-06-18. Review status: criteria provided, single submitter. Criteria: GeneDx Variant Classification (06012015). Collection method: clinical testing. Allele origin: germline. Affected: yes.
Comment: This variant is considered likely benign or benign based on one or more of the following criteria: it is a conservative change, it occurs at a poorly conserved position in the protein, it is predicted to be benign by multiple in silico algorithms, and/or has population frequency not consistent with disease.

Breakthrough Genomics
Classification: Benign. Review status: criteria provided, single submitter. Criteria: ACMG Guidelines, 2015. Collection method: not provided. Allele origin: germline. Inheritance: Autosomal dominant inheritance. Affected: yes.